The following is an entry in ClinVar:

ClinVar aggregate classification (germline): Conflicting classifications of pathogenicity. Review status: criteria provided, conflicting classifications (1 of 4 stars). 2 submissions from 2 submitters: Uncertain significance (1); Likely benign (1). Last evaluated 2026-01-01.

Allele frequency attached by ClinVar (database versions not stated): ExAC 0.00001; gnomAD exomes 0.00003; TOPMed 0.00003; gnomAD 0.00007; ESP Exome Variant Server 0.00008.
gnomAD v4.1: 55 of 1,613,906 alleles (0.0034%); highest among the groups gnomAD compares: Middle Eastern, 0.033%; 1 homozygote.

Submissions (2):

CeGaT Center for Human Genetics Tuebingen
Classification: Likely benign. Last evaluated: 2026-01-01. Review status: criteria provided, single submitter. Criteria: CeGaT Center For Human Genetics Tuebingen Variant Classification Criteria Version 2. Collection method: clinical testing. Allele origin: germline. Affected: yes. Observed: 1 variant allele.
Comment: TRPA1: BP4

Ambry Genetics
Classification: Uncertain significance. Last evaluated: 2022-02-10. Review status: criteria provided, single submitter. Criteria: Ambry Variant Classification Scheme 2023. Collection method: clinical testing. Allele origin: germline.

NM_007332.3(TRPA1):c.878C>T (p.Ser293Leu)

Gene: TRPA1 (transient receptor potential cation channel subfamily A member 1; minus strand). Cytogenetic location: 8q21.11.
Variant type: single nucleotide variant.
Coding change: c.878C>T on transcript NM_007332.3 (MANE Select); coding-DNA position 878, C replaced by T.
Protein change: p.Ser293Leu; replaces serine 293 with leucine.
Molecular consequence: missense variant.
Genome position (GRCh38, 1-based): chr8:72,061,691, G>A on the plus strand (C>T on the coding strand, the complement: TRPA1 is on the minus strand). VCF-style: chr8-72061691-G-A. GRCh37 (hg19) VCF-style: chr8-72973926-G-A.
Other names: short protein forms S293L.
Identifiers: ClinVar variation 2219745 (VCV002219745.6), dbSNP rs141174965, ClinGen allele CA4781091.